The following is an entry in ClinVar:

ClinVar aggregate classification (germline): Uncertain significance (1 of 4 stars; one submission).

Conditions:
Charcot-Marie-Tooth disease type 4. Also called: Charcot-Marie-Tooth, Type 4; Charcot-Marie-Tooth disease, type IV. Identifiers: Orphanet 64749, MedGen C4082197, MONDO:0018995.

Allele frequency attached by ClinVar (database versions not stated): TOPMed below 0.00001.

Submission:

Labcorp Genetics (formerly Invitae), Labcorp
Classification: Uncertain significance for Charcot-Marie-Tooth disease type 4. Last evaluated: 2020-10-03. Review status: criteria provided, single submitter. Criteria: Invitae Variant Classification Sherloc (09022015). Collection method: clinical testing. Allele origin: germline.
Comment: This sequence change replaces serine with cysteine at codon 663 of the SH3TC2 protein (p.Ser663Cys). The serine residue is moderately conserved and there is a moderate physicochemical difference between serine and cysteine. This variant is not present in population databases (ExAC no frequency). This variant has not been reported in the literature in individuals with SH3TC2-related conditions. Advanced modeling of protein sequence and biophysical properties (such as structural, functional, and spatial information, amino acid conservation, physicochemical variation, residue mobility, and thermodynamic stability) performed at Invitae indicates that this missense variant is not expected to disrupt SH3TC2 protein function. In summary, the available evidence is currently insufficient to determine the role of this variant in disease. Therefore, it has been classified as a Variant of Uncertain Significance.

NM_024577.4(SH3TC2):c.1988C>G (p.Ser663Cys)

Gene: SH3TC2 (SH3 domain and tetratricopeptide repeats 2; minus strand). Cytogenetic location: 5q32.
Variant type: single nucleotide variant.
Coding change: c.1988C>G on transcript NM_024577.4 (MANE Select); coding-DNA position 1988, C replaced by G.
Protein change: p.Ser663Cys; replaces serine 663 with cysteine.
Molecular consequence: missense variant.
Genome position (GRCh38, 1-based): chr5:149,027,744, G>C on the plus strand (C>G on the coding strand, the complement: SH3TC2 is on the minus strand). VCF-style: chr5-149027744-G-C. GRCh37 (hg19) VCF-style: chr5-148407307-G-C.
Other names: short protein forms S663C.
Identifiers: ClinVar variation 1022714 (VCV001022714.8), dbSNP rs1754097515, ClinGen allele CA361667317.